The following is an entry in ClinVar:

NM_206933.4(USH2A):c.3177G>A (p.Pro1059=)

Genes: USH2A (usherin; minus strand), USH2A-AS1 (USH2A antisense RNA 1; plus strand). Cytogenetic location: 1q41.
Variant type: single nucleotide variant.
Coding change: c.3177G>A on transcript NM_206933.4 (MANE Select); coding-DNA position 3177, G replaced by A.
Protein change: p.Pro1059=; no amino-acid change (proline 1059 retained).
Molecular consequence: synonymous variant.
Genome position (GRCh38, 1-based): chr1:216,207,412, C>T on the plus strand (G>A on the coding strand, the complement: USH2A is on the minus strand). VCF-style: chr1-216207412-C-T. GRCh37 (hg19) VCF-style: chr1-216380754-C-T.
Other names: c.3177G>A, p.Pro1059= (NM_007123.6).
Identifiers: ClinVar variation 295435 (VCV000295435.15), dbSNP rs767648070, ClinGen allele CA1396059.

ClinVar aggregate classification (germline): Conflicting classifications of pathogenicity. Review status: criteria provided, conflicting classifications (1 of 4 stars). 5 submissions from 4 submitters: Uncertain significance (2); Likely benign (3). Last evaluated 2026-08-01.

Conditions:
Usher syndrome type 2A. Also called: RETINAL DISEASE IN USHER SYNDROME TYPE IIA, MODIFIER OF; USHER SYNDROME, TYPE IIA. Identifiers: Orphanet 231178, Orphanet 886, MedGen C1848634, MONDO:0010169, OMIM 276901.
Retinitis pigmentosa (RP). Identifiers: Orphanet 791, MedGen C0035334, MeSH D012174, MONDO:0019200, OMIM 268000. Inheritance: Autosomal dominant, autosomal recessive and X linked inheritance.

Allele frequency attached by ClinVar (database versions not stated): ExAC 0.00005; gnomAD exomes 0.00007; gnomAD 0.00008 and 0.00009; TOPMed 0.00009.
gnomAD v4.1: 237 of 1,613,718 alleles (0.015%); highest among the groups gnomAD compares: Middle Eastern, 0.049%; no homozygotes.

Submissions (5):

CeGaT Center for Human Genetics Tuebingen
Classification: Likely benign. Last evaluated: 2026-08-01. Review status: criteria provided, single submitter. Criteria: CeGaT Center For Human Genetics Tuebingen Variant Classification Criteria Version 2. Collection method: clinical testing. Allele origin: germline. Affected: yes. Observed: 1 variant allele.
Comment: USH2A: BP4, BP7

Labcorp Genetics (formerly Invitae), Labcorp
Classification: Likely benign. Last evaluated: 2025-10-14. Review status: criteria provided, single submitter. Criteria: Invitae Variant Classification Sherloc (09022015). Collection method: clinical testing. Allele origin: germline.

Blueprint Genetics
Classification: Likely benign. Last evaluated: 2023-10-04. Review status: criteria provided, single submitter. Criteria: ACMG Guidelines, 2015. Collection method: clinical testing. Allele origin: germline.

Illumina Laboratory Services, Illumina
Classification: Uncertain significance for Retinitis pigmentosa. Last evaluated: 2018-01-13. Review status: criteria provided, single submitter. Criteria: ICSL Variant Classification Criteria 13 December 2019. Collection method: clinical testing. Allele origin: germline.

Illumina Laboratory Services, Illumina
Classification: Uncertain significance for Usher syndrome type 2A. Last evaluated: 2018-01-13. Review status: criteria provided, single submitter. Criteria: ICSL Variant Classification Criteria 13 December 2019. Collection method: clinical testing. Allele origin: germline.